The following is an entry in ClinVar:

NM_001015880.2(PAPSS2):c.1386del (p.Trp462fs)

Gene: PAPSS2 (3'-phosphoadenosine 5'-phosphosulfate synthase 2; plus strand). Cytogenetic location: 10q23.31.
Variant type: Deletion.
Coding change: c.1386del on transcript NM_001015880.2 (MANE Select); coding-DNA position 1386, one base deleted (G; older notation c.1386delG).
Protein change: p.Trp462fs; shifts the reading frame from tryptophan 462.
Molecular consequence: frameshift variant.
Genome position (GRCh38, 1-based): chr10:87,743,536, G deleted; the last of 2 consecutive G bases (chr10:87,743,535-87,743,536); deleting either gives the same sequence. VCF-style (leftmost placement, unchanged base first): chr10-87743534-TG-T. GRCh37 (hg19) VCF-style: chr10-89503291-TG-T.
Other names: c.1371del, p.Trp457fs (NM_004670.4); short protein forms W457fs, W462fs.
Identifiers: ClinVar variation 4879634 (VCV004879634.1).

ClinVar aggregate classification (germline): Pathogenic (1 of 4 stars; one submission).

Conditions:
Spondyloepimetaphyseal dysplasia, PAPSS2 type. Also called: SEMD, PAKISTANI TYPE; BRACHYOLMIA TYPE 4 WITH MILD EPIPHYSEAL AND METAPHYSEAL CHANGES; SPONDYLODYSPLASIA AND PREMATURE PUBARCHE. Identifiers: Orphanet 93282, MedGen C2748516, MONDO:0019666, OMIM 612847.

Submission:

Victorian Clinical Genetics Services, Murdoch Childrens Research Institute
Classification: Pathogenic for Spondyloepimetaphyseal dysplasia, PAPSS2 type. Last evaluated: 2026-02-25. Review status: criteria provided, single submitter. Criteria: ACMG Guidelines, 2015. Collection method: clinical testing. Allele origin: germline. Affected: yes.
Comment: This variant is classified as Pathogenic. Evidence in support of pathogenic classification: Variant is predicted to cause nonsense-mediated decay (NMD) and loss of protein (premature termination codon is located at least 54 nucleotides upstream of the final exon-exon junction); Variant is present in gnomAD <0.01 for a recessive condition (v4: 10 heterozygote(s), 0 homozygote(s)); Other NMD-predicted variant(s) comparable to the one identified in this case have very strong previous evidence for pathogenicity (DECIPHER). Additional information: This variant is heterozygous; This gene is associated with autosomal recessive disease; Loss of function is a known mechanism of disease in this gene and is associated with brachyolmia 4 with mild epiphyseal and metaphyseal changes (MIM#612847); Heterozygous variant detected in trans with a second PATHOGENIC heterozygous variant (NM_001015880.2(PAPSS2):c.809G>A; p.(Gly270Asp)) in a recessive disease.